The following is an entry in ClinVar:

NM_001009944.3(PKD1):c.9388C>T (p.Arg3130Trp)

Gene: PKD1 (polycystin 1, transient receptor potential channel interacting; minus strand). Cytogenetic location: 16p13.3.
Variant type: single nucleotide variant.
Coding change: c.9388C>T on transcript NM_001009944.3 (MANE Select); coding-DNA position 9388, C replaced by T.
Protein change: p.Arg3130Trp; replaces arginine 3130 with tryptophan.
Molecular consequence: missense variant.
Genome position (GRCh38, 1-based): chr16:2,102,070, G>A on the plus strand (C>T on the coding strand, the complement: PKD1 is on the minus strand). VCF-style: chr16-2102070-G-A. GRCh37 (hg19) VCF-style: chr16-2152071-G-A.
Other names: c.9388C>T, p.Arg3130Trp (NM_000296.4); short protein forms R3130W.
Identifiers: ClinVar variation 3896035 (VCV003896035.1).

ClinVar aggregate classification (germline): Uncertain significance (1 of 4 stars; one submission).

gnomAD v4.1: 14 of 1,550,696 alleles (0.0009%); highest among the groups gnomAD compares: East Asian, 0.012%; no homozygotes.

Submission:

Women's Health and Genetics/Laboratory Corporation of America, LabCorp
Classification: Uncertain significance. Last evaluated: 2025-03-31. Review status: criteria provided, single submitter. Criteria: LabCorp Variant Classification Summary - May 2015. Collection method: clinical testing. Allele origin: germline.
Comment: Variant summary: PKD1 c.9388C>T (p.Arg3130Trp) results in a non-conservative amino acid change in the encoded protein sequence. Four of five in-silico tools predict a damaging effect of the variant on protein function. The variant allele was found at a frequency of 5.4e-05 in 148758 control chromosomes. The available data on variant occurrences in the general population are insufficient to allow any conclusion about variant significance. c.9388C>T has been reported in the literature in individuals affected with Polycystic Kidney Disease 1, without strong evidence for causality (e.g. Yu_2011, Yu_2022). These reports do not provide unequivocal conclusions about association of the variant with Polycystic Kidney Disease 1. To our knowledge, no experimental evidence demonstrating an impact on protein function has been reported. The following publications have been ascertained in the context of this evaluation (PMID: 22185115, 35778421). No submitters have cited clinical-significance assessments for this variant to ClinVar. Based on the evidence outlined above, the variant was classified as uncertain significance.

Literature cited by the submitters: PubMed 22185115; PubMed 35778421.